The following is an entry in ClinVar:

NM_004370.6(COL12A1):c.5939T>C (p.Ile1980Thr)

Gene: COL12A1 (collagen type XII alpha 1 chain; minus strand). Cytogenetic location: 6q13.
Variant type: single nucleotide variant.
Coding change: c.5939T>C on transcript NM_004370.6 (MANE Select); coding-DNA position 5939, T replaced by C.
Protein change: p.Ile1980Thr; replaces isoleucine 1980 with threonine.
Molecular consequence: missense variant.
Genome position (GRCh38, 1-based): chr6:75,130,980, A>G on the plus strand (T>C on the coding strand, the complement: COL12A1 is on the minus strand). VCF-style: chr6-75130980-A-G. GRCh37 (hg19) VCF-style: chr6-75840696-A-G.
Other names: c.5939T>C, p.Ile1980Thr (NM_001424113.1); c.5918T>C, p.Ile1973Thr (NM_001424114.1); c.5666T>C, p.Ile1889Thr (NM_001424115.1); c.2447T>C, p.Ile816Thr (NM_001424116.1, NM_080645.3); short protein forms I1889T, I1980T, I1973T, I816T.
Identifiers: ClinVar variation 4787509 (VCV004787509.1).

ClinVar aggregate classification (germline): Uncertain significance (1 of 4 stars; one submission).

Conditions:
Ullrich congenital muscular dystrophy 2 (UCMD2). Identifiers: Orphanet 75840, MedGen C4225314, MONDO:0014654, OMIM 616470.
Bethlem myopathy 2 (BTHLM2). Identifiers: Orphanet 536516, Orphanet 610, MedGen C4225313, MONDO:0034022, OMIM 616471.

gnomAD v4.1: 1 of 1,614,136 alleles (0.000062%); highest among the groups gnomAD compares: South Asian, 0.0011%; no homozygotes.

Submission:

Labcorp Genetics (formerly Invitae), Labcorp
Classification: Uncertain significance for Bethlem myopathy 2; Ullrich congenital muscular dystrophy 2. Last evaluated: 2025-05-22. Review status: criteria provided, single submitter. Criteria: Invitae Variant Classification Sherloc (09022015). Collection method: clinical testing. Allele origin: germline.
Comment: This sequence change replaces isoleucine, which is neutral and non-polar, with threonine, which is neutral and polar, at codon 1980 of the COL12A1 protein (p.Ile1980Thr). This variant is present in population databases (rs540867293, gnomAD 0.003%). This variant has not been reported in the literature in individuals affected with COL12A1-related conditions. An algorithm developed to predict the effect of missense changes on protein structure and function (PolyPhen-2) suggests that this variant is likely to be tolerated. In summary, the available evidence is currently insufficient to determine the role of this variant in disease. Therefore, it has been classified as a Variant of Uncertain Significance.